The following is an entry in ClinVar:

NM_000199.5(SGSH):c.675C>T (p.Phe225=)

Gene: SGSH (N-sulfoglucosamine sulfohydrolase; minus strand). Cytogenetic location: 17q25.3.
Variant type: single nucleotide variant.
Coding change: c.675C>T on transcript NM_000199.5 (MANE Select); coding-DNA position 675, C replaced by T.
Protein change: p.Phe225=; no amino-acid change (phenylalanine 225 retained).
Molecular consequence: synonymous variant. On other transcripts: non-coding transcript variant (1).
Genome position (GRCh38, 1-based): chr17:80,213,874, G>A on the plus strand (C>T on the coding strand, the complement: SGSH is on the minus strand). VCF-style: chr17-80213874-G-A. GRCh37 (hg19) VCF-style: chr17-78187673-G-A.
Other names: p.Phe225=; c.675C>T, p.Phe225= (NM_001352921.3, NM_001352922.2).
Identifiers: ClinVar variation 528318 (VCV000528318.22), dbSNP rs34520362, ClinGen allele CA8817845.
Genomic context (GRCh38, chr17:80,213,874, plus strand): 5'-GCGGCCGACGGTGGTGTACTGAGCGGCCAGGTCGGCTCGGGCTGCCGGGGTGTTGGGGAC[G>A]AAGTAAGGCACCTGGGGCAGGCGGTGGGGAGCCAGGCTTAGAACAGACAGACCGGGGGAG-3'
Protein context (NP_000190.1, residues 215-235): YDPLDVLVPY[Phe225=]VPNTPAARAD

ClinVar aggregate classification (germline): Benign. Review status: criteria provided, multiple submitters, no conflicts (2 of 4 stars). 7 submissions from 7 submitters: Benign (5). 2 of the submissions do not count toward it. Last evaluated 2026-02-03.

Conditions:
Mucopolysaccharidosis, MPS-III-A (MPS3A). Also called: SANFILIPPO SYNDROME A; SULFAMIDASE DEFICIENCY; MPS III A; MUCOPOLYSACCHARIDOSIS, TYPE IIIA, ATTENUATED; Mucopolysaccharidosis type IIIA (Sanfilippo A); MPS IIIA (Sanfilippo Syndrome Type A). Identifiers: Orphanet 581, Orphanet 79269, MedGen C0086647, MONDO:0009655, OMIM 252900.
SGSH-related disorder. Also called: SGSH-related condition.

Allele frequency attached by ClinVar (database versions not stated): ESP Exome Variant Server 0.00524; 1000 Genomes Project 0.00699; TOPMed 0.00545; gnomAD 0.00580; 1000 Genomes Project 30x 0.00718.
gnomAD v4.1: 1,682 of 1,607,950 alleles (0.1%); highest among the groups gnomAD compares: African/African-American, 1.9%; 13 homozygotes.

Submissions (7):

Labcorp Genetics (formerly Invitae), Labcorp
Classification: Benign for Mucopolysaccharidosis, MPS-III-A. Last evaluated: 2026-02-03. Review status: criteria provided, single submitter. Criteria: Invitae Variant Classification Sherloc (09022015). Collection method: clinical testing. Allele origin: germline.

Mayo Clinic Laboratories, Mayo Clinic
Classification: Benign. Last evaluated: 2024-04-09. Review status: criteria provided, single submitter. Criteria: ACMG Guidelines, 2015. Collection method: clinical testing. Allele origin: germline. Observed: 11 variant alleles.
Comment: BA1, BP4, BP7

Genome-Nilou Lab
Classification: Benign for Mucopolysaccharidosis, MPS-III-A. Last evaluated: 2021-11-07. Review status: criteria provided, single submitter. Criteria: ACMG Guidelines, 2015. Collection method: clinical testing. Allele origin: germline. Affected: no.

Illumina Laboratory Services, Illumina
Classification: Benign for Mucopolysaccharidosis, MPS-III-A. Last evaluated: 2017-04-28. Review status: criteria provided, single submitter. Criteria: ICSL Variant Classification Criteria 13 December 2019. Collection method: clinical testing. Allele origin: germline.
Comment: This variant was observed as part of a predisposition screen in an ostensibly healthy population. A literature search was performed for the gene, cDNA change, and amino acid change (where applicable). No publications were found based on this search. Allele frequency data from public databases was too high to be consistent with this variant causing disease. Therefore, this variant is classified as benign.

Breakthrough Genomics
Classification: Benign. Review status: criteria provided, single submitter. Criteria: ACMG Guidelines, 2015. Collection method: not provided. Allele origin: germline. Inheritance: Autosomal recessive inheritance. Affected: yes.

Natera, Inc.
Classification: Benign for Mucopolysaccharidosis type IIIA. Last evaluated: 2020-09-16. Review status: no assertion criteria provided. Collection method: clinical testing. Allele origin: germline. Not counted in ClinVar's aggregate classification.

PreventionGenetics, part of Exact Sciences
Classification: Benign for SGSH-related condition. Last evaluated: 2019-05-08. Review status: no assertion criteria provided. Collection method: clinical testing. Allele origin: germline. Not counted in ClinVar's aggregate classification.
Comment: This variant is classified as benign based on ACMG/AMP sequence variant interpretation guidelines (Richards et al. 2015 PMID: 25741868, with internal and published modifications).